The following is an entry in ClinVar:

NM_001352027.3(PHF21A):c.1689AGA[2] (p.Glu566del)

Gene: PHF21A (PHD finger protein 21A; minus strand). Cytogenetic location: 11p11.2.
Variant type: Microsatellite.
Coding change: c.1689AGA[2] on transcript NM_001352027.3 (MANE Select); two copies in a row of the 3-base unit AGA starting at c.1689; the reference has three copies in a row; one copy, 3 bases deleted.
Protein change: p.Glu566del; deletes glutamic acid 566.
Molecular consequence: inframe deletion. On other transcripts: non-coding transcript variant (2).
Genome position (GRCh38, 1-based): chr11:45,935,727-45,935,729, TCT deleted on the plus strand (AGA on the coding strand, the reverse complement: PHF21A is on the minus strand); deleting any 3 consecutive bases within chr11:45,935,727-45,935,736 gives the same sequence; the position shown is the placement nearest the transcript's 3' end. VCF-style (leftmost placement, unchanged base first): chr11-45935726-CTCT-C. GRCh37 (hg19) VCF-style: chr11-45957277-CTCT-C.
Other names: c.1686AGA[2], p.Glu565del (NM_001101802.3); c.1689AGA[2], p.Glu566del (NM_001352025.3, NM_001352026.3); c.1548AGA[2], p.Glu519del (NM_001352028.1, NM_001352029.1, NM_016621.5); c.1545AGA[2], p.Glu518del (NM_001352030.3, NM_001352031.3, NM_001352032.3); short protein forms E519del, E565del, E518del, E566del.
Identifiers: ClinVar variation 2091797 (VCV002091797.4), dbSNP rs2495618180, ClinGen allele CA937547958.

ClinVar aggregate classification (germline): Uncertain significance (1 of 4 stars; one submission).

Submission:

Labcorp Genetics (formerly Invitae), Labcorp
Classification: Uncertain significance. Last evaluated: 2022-08-15. Review status: criteria provided, single submitter. Criteria: Invitae Variant Classification Sherloc (09022015). Collection method: clinical testing. Allele origin: germline.
Comment: In summary, the available evidence is currently insufficient to determine the role of this variant in disease. Therefore, it has been classified as a Variant of Uncertain Significance. Experimental studies and prediction algorithms are not available or were not evaluated, and the functional significance of this variant is currently unknown. This variant, c.1692_1694del, results in the deletion of 1 amino acid(s) of the PHF21A protein (p.Glu565del), but otherwise preserves the integrity of the reading frame. This variant is not present in population databases (gnomAD no frequency). This variant has not been reported in the literature in individuals affected with PHF21A-related conditions.